The following is an entry in ClinVar:

NM_005921.2(MAP3K1):c.3062C>T (p.Thr1021Ile)

Gene: MAP3K1 (mitogen-activated protein kinase kinase kinase 1; plus strand). Cytogenetic location: 5q11.2.
Variant type: single nucleotide variant.
Coding change: c.3062C>T on transcript NM_005921.2 (MANE Select); coding-DNA position 3062, C replaced by T.
Protein change: p.Thr1021Ile; replaces threonine 1021 with isoleucine.
Molecular consequence: missense variant.
Genome position (GRCh38, 1-based): chr5:56,882,262, C>T. VCF-style: chr5-56882262-C-T. GRCh37 (hg19) VCF-style: chr5-56178089-C-T.
Other names: short protein forms T1021I.
Identifiers: ClinVar variation 451621 (VCV000451621.2), dbSNP rs901499471, ClinGen allele CA359787572.

ClinVar aggregate classification (germline): Uncertain significance (1 of 4 stars; one submission).

Submission:

GeneDx
Classification: Uncertain significance. Last evaluated: 2017-09-08. Review status: criteria provided, single submitter. Criteria: GeneDx Variant Classification (06012015). Collection method: clinical testing. Allele origin: germline. Affected: yes.
Comment: The T1021I variant in the MAP3K1 gene has not been reported previously as a pathogenic variant, nor as a benign variant, to our knowledge. This variant is not observed in large population cohorts (Lek et al., 2016; 1000 Genomes Consortium et al., 2015; Exome Variant Server). The T1021I variant is a non-conservative amino acid substitution, which is likely to impact secondary protein structure as these residues differ in polarity, charge, size and/or other properties. This substitution occurs at a position that is not conserved. In silico analysis is inconsistent in its predictions as to whether or not the variant is damaging to the protein structure/function. We interpret T1021I as a variant of uncertain significance.